The following is an entry in ClinVar:

ClinVar aggregate classification (germline): Pathogenic (1 of 4 stars; one submission).

Conditions:
Arrhythmogenic cardiomyopathy with wooly hair and keratoderma. Also called: PALMOPLANTAR KERATODERMA WITH LEFT VENTRICULAR CARDIOMYOPATHY AND WOOLLY HAIR; Carvajal syndrome; Dilated cardiomyopathy with woolly hair and keratoderma; Arrhythmogenic cardiomyopathy with woolly hair and keratoderma. Identifiers: Orphanet 65282, MedGen C1854063, MONDO:0011581, OMIM 605676.
Arrhythmogenic right ventricular dysplasia 8 (ARVD8). Also called: Arrhythmogenic Right Ventricular Dysplasia/Cardiomyopathy 8; ARRHYTHMOGENIC RIGHT VENTRICULAR DYSPLASIA, FAMILIAL, 8; ARRHYTHMOGENIC RIGHT VENTRICULAR CARDIOMYOPATHY 8. Identifiers: MedGen C1843896, MONDO:0011831, OMIM 607450.

Submission:

Labcorp Genetics (formerly Invitae), Labcorp
Classification: Pathogenic for Arrhythmogenic cardiomyopathy with wooly hair and keratoderma; Arrhythmogenic right ventricular dysplasia 8. Last evaluated: 2023-10-18. Review status: criteria provided, single submitter. Criteria: Invitae Variant Classification Sherloc (09022015). Collection method: clinical testing. Allele origin: germline.
Comment: This sequence change creates a premature translational stop signal (p.Gln1418*) in the DSP gene. It is expected to result in an absent or disrupted protein product. Loss-of-function variants in DSP are known to be pathogenic (PMID: 20716751, 24503780, 25227139). This variant is not present in population databases (gnomAD no frequency). This premature translational stop signal has been observed in individual(s) with coronary artery disease (PMID: 36136372). For these reasons, this variant has been classified as Pathogenic.

Literature cited by the submitters: PubMed 20716751; PubMed 24503780; PubMed 25227139; PubMed 36136372.

NM_004415.4(DSP):c.4252C>T (p.Gln1418Ter)

Gene: DSP (desmoplakin; plus strand). Cytogenetic location: 6p24.3.
Variant type: single nucleotide variant.
Coding change: c.4252C>T on transcript NM_004415.4 (MANE Select); coding-DNA position 4252, C replaced by T.
Protein change: p.Gln1418Ter; replaces glutamine 1418 with a stop codon.
Molecular consequence: nonsense. On other transcripts: intron variant (2).
Genome position (GRCh38, 1-based): chr6:7,580,442, C>T. VCF-style: chr6-7580442-C-T. GRCh37 (hg19) VCF-style: chr6-7580675-C-T.
Other names: c.4050+202C>T (NM_001319034.2); c.3582+670C>T (NM_001008844.3); short protein forms Q1418*.
Identifiers: ClinVar variation 2951428 (VCV002951428.3), dbSNP rs763652056, ClinGen allele CA362685891.
Genomic context (GRCh38, chr6:7,580,442, plus strand): 5'-CTCACCCGAGAAAACAGGAGCTTATCTGAAGAAATAAAGAGGCTGAAGAACACTCTAACC[C>T]AGACCACAGAGAATCTCAGGAGGGTGGAAGAAGACATCCAACAGCAAAAGGCCACTGGCT-3'